The following is an entry in ClinVar:

ClinVar aggregate classification (germline): Conflicting classifications of pathogenicity. Review status: criteria provided, conflicting classifications (1 of 4 stars). 2 submissions from 2 submitters: Uncertain significance (1); Likely benign (1). Last evaluated 2024-11-21.

Allele frequency attached by ClinVar (database versions not stated): gnomAD 0.00001; TOPMed 0.00001; gnomAD exomes 0.00002 and 0.00010; ExAC 0.00014.
gnomAD v4.1: 24 of 1,613,378 alleles (0.0015%); highest among the groups gnomAD compares: Admixed American, 0.037%; 1 homozygote.

Submissions (2):

Blueprint Genetics
Classification: Likely benign. Last evaluated: 2024-11-21. Review status: criteria provided, single submitter. Criteria: ACMG Guidelines, 2015. Collection method: clinical testing. Allele origin: germline.

Labcorp Genetics (formerly Invitae), Labcorp
Classification: Uncertain significance. Last evaluated: 2021-03-14. Review status: criteria provided, single submitter. Criteria: Invitae Variant Classification Sherloc (09022015). Collection method: clinical testing. Allele origin: germline.
Comment: In summary, the available evidence is currently insufficient to determine the role of this variant in disease. Therefore, it has been classified as a Variant of Uncertain Significance. Algorithms developed to predict the effect of missense changes on protein structure and function output the following: SIFT: "Tolerated"; PolyPhen-2: "Benign"; Align-GVGD: "Class C0". The cysteine amino acid residue is found in multiple mammalian species, suggesting that this missense change does not adversely affect protein function. These predictions have not been confirmed by published functional studies and their clinical significance is uncertain. This variant has not been reported in the literature in individuals with ARHGEF18-related conditions. This variant is present in population databases (rs750064588, ExAC 0.1%). This sequence change replaces arginine with cysteine at codon 791 of the ARHGEF18 protein (p.Arg791Cys). The arginine residue is weakly conserved and there is a large physicochemical difference between arginine and cysteine.

NM_001367823.1(ARHGEF18):c.2935C>T (p.Arg979Cys)

Gene: ARHGEF18 (Rho/Rac guanine nucleotide exchange factor 18; plus strand). Cytogenetic location: 19p13.2.
Variant type: single nucleotide variant.
Coding change: c.2935C>T on transcript NM_001367823.1 (MANE Select); coding-DNA position 2935, C replaced by T.
Protein change: p.Arg979Cys; replaces arginine 979 with cysteine.
Molecular consequence: missense variant.
Genome position (GRCh38, 1-based): chr19:7,466,948, C>T. VCF-style: chr19-7466948-C-T. GRCh37 (hg19) VCF-style: chr19-7531834-C-T.
Other names: c.2209C>T, p.Arg737Cys (NM_001130955.2); c.1897C>T, p.Arg633Cys (NM_001367824.1, NM_015318.4); short protein forms R633C, R737C, R979C.
Identifiers: ClinVar variation 1016751 (VCV001016751.7), dbSNP rs750064588, ClinGen allele CA9137041.